The following is an entry in ClinVar:

NM_025219.3(DNAJC5):c.229G>T (p.Asp77Tyr)

Gene: DNAJC5 (DnaJ heat shock protein family (Hsp40) member C5; plus strand). Cytogenetic location: 20q13.33.
Variant type: single nucleotide variant.
Coding change: c.229G>T on transcript NM_025219.3 (MANE Select); coding-DNA position 229, G replaced by T.
Protein change: p.Asp77Tyr; replaces aspartic acid 77 with tyrosine.
Molecular consequence: missense variant.
Genome position (GRCh38, 1-based): chr20:63,929,433, G>T. VCF-style: chr20-63929433-G-T. GRCh37 (hg19) VCF-style: chr20-62560786-G-T.
Other names: short protein forms D77Y.
Identifiers: ClinVar variation 429280 (VCV000429280.8), dbSNP rs762638579, ClinGen allele CA409716626.
Genomic context (GRCh38, chr20:63,929,433, plus strand): 5'-TTTAAGGAGATCAACAACGCGCACGCCATCCTCACGGACGCCACAAAAAGGAACATCTAC[G>T]ACAAGTACGGCTCGCTGGGTCTCTACGTGGCCGAGCAGTTTGGGGAAGAGAACGTGAACA-3'
Protein context (NP_079495.1, residues 67-87): LTDATKRNIY[Asp77Tyr]KYGSLGLYVA

ClinVar aggregate classification (germline): Uncertain significance. Review status: criteria provided, multiple submitters, no conflicts (2 of 4 stars). 2 submissions from 2 submitters: Uncertain significance (2). Last evaluated 2024-11-30.

Conditions:
Neuronal ceroid lipofuscinosis. Also called: Neuronal Ceroid Lipofuscinoses. Identifiers: Orphanet 216, Orphanet 79263, MedGen C0027877, MONDO:0016295. Disease mechanism: loss of function.

Allele frequency attached by ClinVar (database versions not stated): TOPMed 0.00001.
gnomAD v4.1: 2 of 1,614,088 alleles (0.00012%); highest among the groups gnomAD compares: South Asian, 0.0011%; no homozygotes.

Submissions (2):

GeneDx
Classification: Uncertain significance. Last evaluated: 2024-11-30. Review status: criteria provided, single submitter. Criteria: GeneDx Variant Classification Process June 2021. Collection method: clinical testing. Allele origin: germline. Affected: yes.
Comment: Not observed at significant frequency in large population cohorts (gnomAD); In silico analysis supports that this missense variant has a deleterious effect on protein structure/function; Has not been previously published as pathogenic or benign to our knowledge

Labcorp Genetics (formerly Invitae), Labcorp
Classification: Uncertain significance for Neuronal ceroid lipofuscinosis. Last evaluated: 2024-02-15. Review status: criteria provided, single submitter. Criteria: Invitae Variant Classification Sherloc (09022015). Collection method: clinical testing. Allele origin: germline.
Comment: This sequence change replaces aspartic acid, which is acidic and polar, with tyrosine, which is neutral and polar, at codon 77 of the DNAJC5 protein (p.Asp77Tyr). This variant is not present in population databases (gnomAD no frequency). This variant has not been reported in the literature in individuals affected with DNAJC5-related conditions. ClinVar contains an entry for this variant (Variation ID: 429280). An algorithm developed to predict the effect of missense changes on protein structure and function (PolyPhen-2) suggests that this variant is likely to be disruptive. In summary, the available evidence is currently insufficient to determine the role of this variant in disease. Therefore, it has been classified as a Variant of Uncertain Significance.